The following is an entry in ClinVar:

NM_003119.4(SPG7):c.2182-951C>A

Gene: SPG7 (SPG7 matrix AAA peptidase subunit, paraplegin; plus strand). Cytogenetic location: 16q24.3.
Variant type: single nucleotide variant.
Coding change: c.2182-951C>A on transcript NM_003119.4 (MANE Select); 951 bases into the intron before coding-DNA position 2182, C replaced by A.
Molecular consequence: intron variant. On other transcripts: missense variant (1).
Genome position (GRCh38, 1-based): chr16:89,555,936, C>A. VCF-style: chr16-89555936-C-A. GRCh37 (hg19) VCF-style: chr16-89622344-C-A.
Other names: c.2240C>A, p.Pro747Gln (NM_001363850.1); short protein forms P747Q.
Identifiers: ClinVar variation 4980567 (VCV004980567.1).
Genomic context (GRCh38, chr16:89,555,936, plus strand): 5'-AGCGAGCACTGTGTGTCACGTGGGGATCGTGTTTGGGGCCCTTAGACTGTCGTCCCCAGC[C>A]AGCAGCAGCCGCCTCTGGGCAGGTGTGGGCGGTGCCGTCCCCGGCTGAAGCAGGCCTGCC-3'

ClinVar aggregate classification (germline): Likely benign (1 of 4 stars; one submission).

Conditions:
SPG7-related disorder. Also called: SPG7-related condition.

Submission:

PreventionGenetics, part of Exact Sciences
Classification: Likely benign for SPG7-related condition. Last evaluated: 2026-03-26. Review status: criteria provided, single submitter. Criteria: ACMG Guidelines, 2015. Collection method: clinical testing. Allele origin: germline.
Comment: This variant is classified as likely benign based on ACMG/AMP sequence variant interpretation guidelines (Richards et al. 2015 PMID: 25741868, with internal and published modifications).